The following is an entry in ClinVar:

NM_206937.2(LIG4):c.2146A>G (p.Asn716Asp)

Gene: LIG4 (DNA ligase 4; minus strand). Cytogenetic location: 13q33.3.
Variant type: single nucleotide variant.
Coding change: c.2146A>G on transcript NM_206937.2 (MANE Select); coding-DNA position 2146, A replaced by G.
Protein change: p.Asn716Asp; replaces asparagine 716 with aspartic acid.
Molecular consequence: missense variant.
Genome position (GRCh38, 1-based): chr13:108,209,123, T>C on the plus strand (A>G on the coding strand, the complement: LIG4 is on the minus strand). VCF-style: chr13-108209123-T-C. GRCh37 (hg19) VCF-style: chr13-108861471-T-C.
Other names: c.2146A>G, p.Asn716Asp (NM_001098268.2, NM_001352598.2, NM_001352599.2 and 6 more transcripts); c.1945A>G, p.Asn649Asp (NM_001330595.2); c.2182A>G, p.Asn728Asp (NM_001352604.2); short protein forms N716D, N649D, N728D.
Identifiers: ClinVar variation 573954 (VCV000573954.9), dbSNP rs377032117, ClinGen allele CA7043555.

ClinVar aggregate classification (germline): Conflicting classifications of pathogenicity. Review status: criteria provided, conflicting classifications (1 of 4 stars). 2 submissions from 2 submitters: Uncertain significance (1); Likely benign (1). Last evaluated 2025-09-01.

Conditions:
Inborn genetic diseases. Identifiers: MedGen C0950123, MeSH D030342.
DNA ligase IV deficiency. Identifiers: Orphanet 99812, MedGen C1847827, MONDO:0011686, OMIM 606593.

Allele frequency attached by ClinVar (database versions not stated): gnomAD exomes below 0.00001 and 0.00001; TOPMed below 0.00001; ExAC 0.00002; gnomAD 0.00004; ESP Exome Variant Server 0.00008.
gnomAD v4.1: 11 of 1,614,044 alleles (0.00068%); highest among the groups gnomAD compares: African/African-American, 0.015%; no homozygotes.

Submissions (2):

Ambry Genetics
Classification: Likely benign for Inborn genetic diseases. Last evaluated: 2025-09-01. Review status: criteria provided, single submitter. Criteria: Ambry Variant Classification Scheme 2023. Collection method: clinical testing. Allele origin: germline.

Labcorp Genetics (formerly Invitae), Labcorp
Classification: Uncertain significance for DNA ligase IV deficiency. Last evaluated: 2018-04-12. Review status: criteria provided, single submitter. Criteria: Invitae Variant Classification Sherloc (09022015). Collection method: clinical testing. Allele origin: germline.
Comment: In summary, the available evidence is currently insufficient to determine the role of this variant in disease. Therefore, it has been classified as a Variant of Uncertain Significance. Algorithms developed to predict the effect of sequence changes on RNA splicing suggest that this variant may create or strengthen a splice site, but this prediction has not been confirmed by published transcriptional studies. Algorithms developed to predict the effect of missense changes on protein structure and function output the following: SIFT: "Tolerated"; PolyPhen-2: "Benign"; Align-GVGD: "Class C0". The aspartic acid amino acid residue is found in multiple mammalian species, suggesting that this missense change does not adversely affect protein function. These predictions have not been confirmed by published functional studies and their clinical significance is uncertain. This variant has not been reported in the literature in individuals with LIG4-related disease. This variant is present in population databases (rs377032117, ExAC 0.02%). This sequence change replaces asparagine with aspartic acid at codon 716 of the LIG4 protein (p.Asn716Asp). The asparagine residue is weakly conserved and there is a small physicochemical difference between asparagine and aspartic acid.